The following is an entry in ClinVar:

ClinVar aggregate classification (germline): Benign (1 of 4 stars; one submission).

Conditions:
Juvenile polyposis syndrome (JPS). Identifiers: Orphanet 2929, MedGen C0345893, MONDO:0017380, OMIM 174900.

Submission:

Myriad Genetics, Inc.
Classification: Benign for Juvenile polyposis syndrome. Last evaluated: 2024-08-07. Review status: criteria provided, single submitter. Criteria: Myriad Autosomal Dominant, Autosomal Recessive and X-Linked Classification Criteria (2023). Collection method: clinical testing. Allele origin: unknown.
Comment: This variant is considered benign. This variant is a silent/synonymous amino acid change and it is not expected to impact splicing.

NM_004329.3(BMPR1A):c.1173A>G (p.Thr391=)

Gene: BMPR1A (bone morphogenetic protein receptor type 1A; plus strand). Cytogenetic location: 10q23.2.
Variant type: single nucleotide variant.
Coding change: c.1173A>G on transcript NM_004329.3 (MANE Select); coding-DNA position 1173, A replaced by G.
Protein change: p.Thr391=; no amino-acid change (threonine 391 retained).
Molecular consequence: synonymous variant. On other transcripts: non-coding transcript variant (3).
Genome position (GRCh38, 1-based): chr10:86,921,526, A>G. VCF-style: chr10-86921526-A-G. GRCh37 (hg19) VCF-style: chr10-88681283-A-G.
Other names: c.1248A>G, p.Thr416= (NM_001406559.1); c.1221A>G, p.Thr407= (NM_001406560.1); c.1173A>G, p.Thr391= (NM_001406561.1, NM_001406562.1, NM_001406563.1 and 19 more transcripts); c.1167A>G, p.Thr389= (NM_001406583.1); c.1089A>G, p.Thr363= (NM_001406584.1, NM_001406585.1, NM_001406586.1 and 2 more transcripts); c.831A>G, p.Thr277= (NM_001406589.1).
Identifiers: ClinVar variation 3378752 (VCV003378752.1).